The following is an entry in ClinVar:

NM_000834.5(GRIN2B):c.3409T>A (p.Phe1137Ile)

Gene: GRIN2B (glutamate ionotropic receptor NMDA type subunit 2B; minus strand). Cytogenetic location: 12p13.1.
Variant type: single nucleotide variant.
Coding change: c.3409T>A on transcript NM_000834.5 (MANE Select); coding-DNA position 3409, T replaced by A.
Protein change: p.Phe1137Ile; replaces phenylalanine 1137 with isoleucine.
Molecular consequence: missense variant.
Genome position (GRCh38, 1-based): chr12:13,563,829, A>T on the plus strand (T>A on the coding strand, the complement: GRIN2B is on the minus strand). VCF-style: chr12-13563829-A-T. GRCh37 (hg19) VCF-style: chr12-13716763-A-T.
Other names: short protein forms F1137I.
Identifiers: ClinVar variation 411108 (VCV000411108.13), dbSNP rs1060503159, ClinGen allele CA16613685.
Genomic context (GRCh38, chr12:13,563,829, plus strand): 5'-CCTTGTAGATGTCGGTCAGGTCTACGTGCTCCCAGTGGGGTGAGTTCTCCTTTGTTCGGA[A>T]CTGGTCCAGGTAGAAGTCCCGTAGCCCTTCCTTGTCCCTGAAGTAGCGCTTGTGGTCAGG-3'
Protein context (NP_000825.2, residues 1127-1147): EGLRDFYLDQ[Phe1137Ile]RTKENSPHWE

ClinVar aggregate classification (germline): Uncertain significance. Review status: criteria provided, multiple submitters, no conflicts (2 of 4 stars). 2 submissions from 2 submitters: Uncertain significance (2). Last evaluated 2026-02-01.

Conditions:
Intellectual developmental disorder, autosomal dominant 6, with or without seizures. Also called: GRIN2B-related developmental delay, intellectual disability and autism spectrum disorder; Intellectual disability, autosomal dominant 6. Identifiers: Orphanet 589547, MedGen C3151411, MONDO:0013509, OMIM 613970.
Developmental and epileptic encephalopathy, 27 (DEE27). Also called: Epileptic encephalopathy, early infantile, 27; GRIN2B-Related Neurodevelopmental Disorder. Identifiers: Orphanet 3451, MedGen C4015316, MONDO:0014505, OMIM 616139.

Submissions (2):

CeGaT Center for Human Genetics Tuebingen
Classification: Uncertain significance. Last evaluated: 2026-02-01. Review status: criteria provided, single submitter. Criteria: CeGaT Center For Human Genetics Tuebingen Variant Classification Criteria Version 2. Collection method: clinical testing. Allele origin: germline. Affected: yes. Observed: 1 variant allele.
Comment: GRIN2B: PM2

Labcorp Genetics (formerly Invitae), Labcorp
Classification: Uncertain significance for Developmental and epileptic encephalopathy, 27; Intellectual developmental disorder, autosomal dominant 6, with or without seizures. Last evaluated: 2022-06-04. Review status: criteria provided, single submitter. Criteria: Invitae Variant Classification Sherloc (09022015). Collection method: clinical testing. Allele origin: germline.
Comment: This sequence change replaces phenylalanine, which is neutral and non-polar, with isoleucine, which is neutral and non-polar, at codon 1137 of the GRIN2B protein (p.Phe1137Ile). This variant is not present in population databases (gnomAD no frequency). This variant has not been reported in the literature in individuals affected with GRIN2B-related conditions. ClinVar contains an entry for this variant (Variation ID: 411108). Advanced modeling of protein sequence and biophysical properties (such as structural, functional, and spatial information, amino acid conservation, physicochemical variation, residue mobility, and thermodynamic stability) performed at Invitae indicates that this missense variant is not expected to disrupt GRIN2B protein function. In summary, the available evidence is currently insufficient to determine the role of this variant in disease. Therefore, it has been classified as a Variant of Uncertain Significance.